The following is an entry in ClinVar:

NM_032608.7(MYO18B):c.3212C>T (p.Ser1071Phe)

Gene: MYO18B (myosin XVIIIB; plus strand). Cytogenetic location: 22q12.1.
Variant type: single nucleotide variant.
Coding change: c.3212C>T on transcript NM_032608.7 (MANE Select); coding-DNA position 3212, C replaced by T.
Protein change: p.Ser1071Phe; replaces serine 1071 with phenylalanine.
Molecular consequence: missense variant.
Genome position (GRCh38, 1-based): chr22:25,843,738, C>T. VCF-style: chr22-25843738-C-T. GRCh37 (hg19) VCF-style: chr22-26239705-C-T.
Other names: c.3215C>T, p.Ser1072Phe (NM_001318245.2); short protein forms S1072F, S1071F.
Identifiers: ClinVar variation 1498592 (VCV001498592.8), dbSNP rs973561962, ClinGen allele CA322772686.
Genomic context (GRCh38, chr22:25,843,738, plus strand): 5'-TGATTGCAGAGTGTCCTCAACAGGCTCCAGCACTCATGCCACCATGTCTGTTTCCAGGGT[C>T]CTCTGCCCTGCGGACCTGTGAGCAGCCCCTCCAGTGTGAGATTTTCCACCAGTTGGGATG-3'
Protein context (NP_115997.5, residues 1061-1081): FEKKGAGTEG[Ser1071Phe]SALRTCEQPL

ClinVar aggregate classification (germline): Uncertain significance (1 of 4 stars; one submission).

Allele frequency attached by ClinVar (database versions not stated): gnomAD exomes below 0.00001; TOPMed 0.00001.
gnomAD v4.1: 2 of 1,612,826 alleles (0.00012%); highest among the groups gnomAD compares: African/African-American, 0.0027%; no homozygotes.

Submission:

Labcorp Genetics (formerly Invitae), Labcorp
Classification: Uncertain significance. Last evaluated: 2021-07-21. Review status: criteria provided, single submitter. Criteria: Invitae Variant Classification Sherloc (09022015). Collection method: clinical testing. Allele origin: germline.
Comment: This sequence change replaces serine with phenylalanine at codon 1071 of the MYO18B protein (p.Ser1071Phe). The serine residue is weakly conserved and there is a large physicochemical difference between serine and phenylalanine. In summary, the available evidence is currently insufficient to determine the role of this variant in disease. Therefore, it has been classified as a Variant of Uncertain Significance. Algorithms developed to predict the effect of missense changes on protein structure and function are either unavailable or do not agree on the potential impact of this missense change (SIFT: "Not Available"; PolyPhen-2: "Benign"; Align-GVGD: "Not Available"). This variant has not been reported in the literature in individuals affected with MYO18B-related conditions. This variant is not present in population databases (ExAC no frequency).